The following is an entry in ClinVar:

ClinVar aggregate classification (germline): Uncertain significance (1 of 4 stars; one submission).

Conditions:
Fanconi anemia (FA). Also called: Fanconi's anemia. Identifiers: Orphanet 84, MedGen C0015625, MeSH D005199, MONDO:0019391.

Submission:

Labcorp Genetics (formerly Invitae), Labcorp
Classification: Uncertain significance for Fanconi anemia. Last evaluated: 2024-02-23. Review status: criteria provided, single submitter. Criteria: Invitae Variant Classification Sherloc (09022015). Collection method: clinical testing. Allele origin: germline.
Comment: This sequence change replaces valine, which is neutral and non-polar, with glycine, which is neutral and non-polar, at codon 1703 of the SLX4 protein (p.Val1703Gly). This variant is not present in population databases (gnomAD no frequency). This variant has not been reported in the literature in individuals affected with SLX4-related conditions. ClinVar contains an entry for this variant (Variation ID: 1037316). An algorithm developed to predict the effect of missense changes on protein structure and function (PolyPhen-2) suggests that this variant is likely to be tolerated. In summary, the available evidence is currently insufficient to determine the role of this variant in disease. Therefore, it has been classified as a Variant of Uncertain Significance.

NM_032444.4(SLX4):c.5108T>G (p.Val1703Gly)

Gene: SLX4 (SLX4 structure-specific endonuclease subunit; minus strand). Cytogenetic location: 16p13.3.
Variant type: single nucleotide variant.
Coding change: c.5108T>G on transcript NM_032444.4 (MANE Select); coding-DNA position 5108, T replaced by G.
Protein change: p.Val1703Gly; replaces valine 1703 with glycine.
Molecular consequence: missense variant.
Genome position (GRCh38, 1-based): chr16:3,583,142, A>C on the plus strand (T>G on the coding strand, the complement: SLX4 is on the minus strand). VCF-style: chr16-3583142-A-C. GRCh37 (hg19) VCF-style: chr16-3633143-A-C.
Other names: short protein forms V1703G.
Identifiers: ClinVar variation 1037316 (VCV001037316.8), dbSNP rs2040460900, ClinGen allele CA394514547.